The following is an entry in ClinVar:

NM_001035.3(RYR2):c.6958G>A (p.Val2320Met)

Gene: RYR2 (ryanodine receptor 2; plus strand). Cytogenetic location: 1q43.
Variant type: single nucleotide variant.
Coding change: c.6958G>A on transcript NM_001035.3 (MANE Select); coding-DNA position 6958, G replaced by A.
Protein change: p.Val2320Met; replaces valine 2320 with methionine.
Molecular consequence: missense variant.
Genome position (GRCh38, 1-based): chr1:237,639,044, G>A. VCF-style: chr1-237639044-G-A. GRCh37 (hg19) VCF-style: chr1-237802344-G-A.
Other names: c.6958G>A, p.Val2320Met (LRG_402t1); short protein forms V2320M.
Identifiers: ClinVar variation 387716 (VCV000387716.22), dbSNP rs1057522884, ClinGen allele CA16603641.
Genomic context (GRCh38, chr1:237,639,044, plus strand): 5'-TTGTTTACTTATCTTCCCCATTCTACTTTAGGGGAGAGTGTGGAGGAAAATGCAAATGTC[G>A]TGGTGAGATTGCTCATTCGGAGGCCTGAGTGTTTTGGTCCTGCTTTGAGAGGAGAAGGTG-3'
Protein context (NP_001026.2, residues 2310-2330): GESVEENANV[Val2320Met]VRLLIRRPEC

ClinVar aggregate classification (germline): Uncertain significance. Review status: criteria provided, multiple submitters, no conflicts (2 of 4 stars). 8 submissions from 8 submitters: Uncertain significance (8). Last evaluated 2026-08-17.

Conditions:
Cardiomyopathy (CMYO). Also called: Cardiomyopathies. Identifiers: Orphanet 167848, MedGen C0878544, MONDO:0004994, HP:0001638. Inheritance: Various modes of inheritance.
Catecholaminergic polymorphic ventricular tachycardia 1. Also called: VENTRICULAR TACHYCARDIA, STRESS-INDUCED POLYMORPHIC 1; VENTRICULAR TACHYCARDIA, CATECHOLAMINERGIC POLYMORPHIC, 1, WITH OR WITHOUT ATRIAL DYSFUNCTION AND/OR DILATED CARDIOMYOPATHY; RYR2-Related Catecholaminergic Polymorphic Ventricular Tachycardia. Identifiers: Orphanet 3286, MedGen C1631597, MONDO:0011484, OMIM 604772.
RYR2-related disorder. Also called: RYR2-related condition.
Cardiovascular phenotype. Identifiers: MedGen CN230736.
Arrhythmogenic right ventricular dysplasia 2. Identifiers: MedGen C1832931.

Allele frequency attached by ClinVar (database versions not stated): gnomAD exomes below 0.00001 and 0.00001.
gnomAD v4.1: 18 of 1,613,776 alleles (0.0011%); highest among the groups gnomAD compares: East Asian, 0.0022%; no homozygotes.

Submissions (8):

Ambry Genetics
Classification: Uncertain significance for Cardiovascular phenotype. Last evaluated: 2026-08-17. Review status: criteria provided, single submitter. Criteria: Ambry Variant Classification Scheme 2023. Collection method: clinical testing. Allele origin: germline.

CeGaT Center for Human Genetics Tuebingen
Classification: Uncertain significance. Last evaluated: 2026-02-01. Review status: criteria provided, single submitter. Criteria: CeGaT Center For Human Genetics Tuebingen Variant Classification Criteria Version 2. Collection method: clinical testing. Allele origin: germline. Affected: yes. Observed: 1 variant allele.
Comment: RYR2: PP3

Labcorp Genetics (formerly Invitae), Labcorp
Classification: Uncertain significance for Catecholaminergic polymorphic ventricular tachycardia 1. Last evaluated: 2025-05-19. Review status: criteria provided, single submitter. Criteria: Invitae Variant Classification Sherloc (09022015). Collection method: clinical testing. Allele origin: germline.
Comment: This sequence change replaces valine, which is neutral and non-polar, with methionine, which is neutral and non-polar, at codon 2320 of the RYR2 protein (p.Val2320Met). This variant is present in population databases (no rsID available, gnomAD 0.003%). This variant has not been reported in the literature in individuals affected with RYR2-related conditions. ClinVar contains an entry for this variant (Variation ID: 387716). Invitae Evidence Modeling of protein sequence and biophysical properties (such as structural, functional, and spatial information, amino acid conservation, physicochemical variation, residue mobility, and thermodynamic stability) indicates that this missense variant is expected to disrupt RYR2 protein function with a positive predictive value of 95%. In summary, the available evidence is currently insufficient to determine the role of this variant in disease. Therefore, it has been classified as a Variant of Uncertain Significance.

Women's Health and Genetics/Laboratory Corporation of America, LabCorp
Classification: Uncertain significance. Last evaluated: 2024-12-10. Review status: criteria provided, single submitter. Criteria: LabCorp Variant Classification Summary - May 2015. Collection method: clinical testing. Allele origin: germline.
Comment: Variant summary: RYR2 c.6958G>A (p.Val2320Met) results in a conservative amino acid change located in the RIH domain (IPR000699) of the encoded protein sequence. Three of four in-silico tools predict a damaging effect of the variant on protein function. The variant allele was found at a frequency of 4e-06 in 249138 control chromosomes. The available data on variant occurrences in the general population are insufficient to allow any conclusion about variant significance. To our knowledge, no occurrence of c.6958G>A in individuals affected with Catecholaminergic Polymorphic Ventricular Tachycardia and no experimental evidence demonstrating its impact on protein function have been reported. ClinVar contains an entry for this variant (Variation ID: 387716). Based on the evidence outlined above, the variant was classified as uncertain significance.

Color Diagnostics, LLC DBA Color Health
Classification: Uncertain significance for Cardiomyopathy. Last evaluated: 2024-03-06. Review status: criteria provided, single submitter. Criteria: ACMG Guidelines, 2015. Collection method: clinical testing. Allele origin: germline.
Comment: This variant is located in the RYR2 protein. Computational prediction suggests that this variant may have deleterious impact on protein structure and function (internally defined REVEL score threshold >= 0.7, PMID: 27666373). To our knowledge, functional studies have not been reported for this variant. This variant has not been reported in individuals affected with cardiovascular disorders in the literature. This variant has been identified in 1/249138 chromosomes in the general population by the Genome Aggregation Database (gnomAD). The available evidence is insufficient to determine the role of this variant in disease conclusively. Therefore, this variant is classified as a Variant of Uncertain Significance.

PreventionGenetics, part of Exact Sciences
Classification: Uncertain significance for RYR2-related condition. Last evaluated: 2023-02-15. Review status: criteria provided, single submitter. Criteria: ACMG Guidelines, 2015. Collection method: clinical testing. Allele origin: germline.
Comment: The RYR2 c.6958G>A variant is predicted to result in the amino acid substitution p.Val2320Met. To our knowledge, this variant has not been reported in the literature. This variant is reported in 0.0029% of alleles in individuals of Latino descent in gnomAD. At this time, the clinical significance of this variant is uncertain due to the absence of conclusive functional and genetic evidence.

Baylor Genetics
Classification: Uncertain significance for Catecholaminergic polymorphic ventricular tachycardia 1. Last evaluated: 2018-07-16. Review status: criteria provided, single submitter. Criteria: ACMG Guidelines, 2015. Collection method: clinical testing. Allele origin: unknown. Affected: yes.
Comment: This variant was determined to be of uncertain significance according to ACMG Guidelines, 2015 [PMID:25741868].

GeneDx
Classification: Uncertain significance. Last evaluated: 2016-07-07. Review status: criteria provided, single submitter. Criteria: GeneDx Variant Classification (06012015). Collection method: clinical testing. Allele origin: germline. Affected: yes.
Comment: The V2320M variant in the RYR2 gene has not been reported previously as a pathogenic variant, nor as a benign variant, to our knowledge. The V2320M variant was not observed in approximately 6500 individuals of European and African American ancestry in the NHLBI Exome Sequencing Project, indicating it is not a common benign variant in these populations. The V2320M variant is a conservative amino acid substitution, which is not likely to impact secondary protein structure as these residues share similar properties. This substitution occurs at a position that is conserved across species. In silico analysis predicts this variant is probably damaging to the protein structure/function. Additionally, missense variants in nearby residues (A2317E and V2321M) have been reported in the Human Gene Mutation Database in association with RYR2-related disorders (Stenson et al., 2014), supporting the functional importance of this region of the protein. We interpret V2320M as a variant of uncertain significance.